The following is an entry in ClinVar:

ClinVar aggregate classification (germline): Uncertain significance. Review status: criteria provided, multiple submitters, no conflicts (2 of 4 stars). 6 submissions from 6 submitters: Uncertain significance (6). Last evaluated 2025-12-21.

Conditions:
Familial adenomatous polyposis 1 (FAP1). Also called: FAMILIAL ADENOMATOUS POLYPOSIS 1, ATTENUATED; POLYPOSIS, ADENOMATOUS INTESTINAL. Identifiers: MedGen C2713442, MONDO:0021056, OMIM 175100. Disease mechanism: loss of function.
Classic or attenuated familial adenomatous polyposis. Identifiers: MedGen CN372698, MONDO:0021057.
Hereditary cancer-predisposing syndrome. Also called: Hereditary neoplastic syndrome; Neoplastic Syndromes, Hereditary; Tumor predisposition; Hereditary Cancer Syndrome. Identifiers: Orphanet 140162, MedGen C0027672, MeSH D009386, MONDO:0015356.

Allele frequency attached by ClinVar (database versions not stated): gnomAD exomes below 0.00001; ExAC 0.00001; gnomAD 0.00001; TOPMed 0.00001.
gnomAD v4.1: 2 of 1,614,038 alleles (0.00012%); highest among the groups gnomAD compares: African/African-American, 0.0027%; no homozygotes.

Submissions (6):

Labcorp Genetics (formerly Invitae), Labcorp
Classification: Uncertain significance for Familial adenomatous polyposis 1. Last evaluated: 2025-12-21. Review status: criteria provided, single submitter. Criteria: Invitae Variant Classification Sherloc (09022015). Collection method: clinical testing. Allele origin: germline.
Comment: This sequence change replaces threonine, which is neutral and polar, with isoleucine, which is neutral and non-polar, at codon 1633 of the APC protein (p.Thr1633Ile). This variant is present in population databases (rs765215625, gnomAD 0.01%). This missense change has been observed in individual(s) with acute myeloid leukemia (PMID: 26580448). ClinVar contains an entry for this variant (Variation ID: 422439). Invitae Evidence Modeling of protein sequence and biophysical properties (such as structural, functional, and spatial information, amino acid conservation, physicochemical variation, residue mobility, and thermodynamic stability) indicates that this missense variant is not expected to disrupt APC protein function with a negative predictive value of 95%. In summary, the available evidence is currently insufficient to determine the role of this variant in disease. Therefore, it has been classified as a Variant of Uncertain Significance.

St. Jude Molecular Pathology, St. Jude Children's Research Hospital
Classification: Uncertain significance for Familial adenomatous polyposis 1. Last evaluated: 2024-10-14. Review status: criteria provided, single submitter. Criteria: St. Jude Assertion Criteria 2020. Collection method: clinical testing. Allele origin: germline.
Comment: The APC c.4898C>T (p.Thr1633Ile) missense change has a maximum subpopulation frequency 0.0099% in gnomAD v2.1.1. The in silico tool REVEL is inconclusive about a pathogenic or benign effect of this variant on protein function; however, ClinGen InSiGHT Hereditary Colorectal Cancer/Polyposis Expert Panel suggest not using in sillico prediction to evaluate pathogenicity of missense variants (PMID: 37800450). Functional studies have not been performed. This variant has not been reported in individuals with APC-related familial adenomatous polyposis. In summary, the evidence currently available is insufficient to determine the clinical significance of this variant. It has therefore been classified as of uncertain significance.

Ambry Genetics
Classification: Uncertain significance for Hereditary cancer-predisposing syndrome. Last evaluated: 2024-02-02. Review status: criteria provided, single submitter. Criteria: Ambry Variant Classification Scheme 2023. Collection method: clinical testing. Allele origin: germline.
Comment: The p.T1633I variant (also known as c.4898C>T), located in coding exon 15 of the APC gene, results from a C to T substitution at nucleotide position 4898. The threonine at codon 1633 is replaced by isoleucine, an amino acid with similar properties. This variant has been reported in 1/1120 pediatric cancer patients who underwent whole genome sequencing and/or whole-exome sequencing; this patient was diagnosed with acute myeloid leukemia (Zhang J et al. N Engl J Med, 2015 Dec;373:2336-2346). This amino acid position is well conserved in available vertebrate species. In addition, in silico predictors for this gene do not accurately predict pathogenicity. Based on the available evidence, the clinical significance of this alteration remains unclear.

All of Us Research Program, National Institutes of Health
Classification: Uncertain significance for Classic or attenuated familial adenomatous polyposis. Last evaluated: 2023-03-04. Review status: criteria provided, single submitter. Criteria: ACMG Guidelines, 2015. Collection method: clinical testing. Allele origin: germline. Inheritance: Autosomal dominant inheritance. Observed: 1 variant allele, 1 heterozygote.
Comment: This study involves interpretation of variants in research participants for the purpose of population health screening. Participant phenotype was not available at the time of variant classification. Additional details can be found in publication PMID: 35346344, PMCID: PMC8962531

GeneDx
Classification: Uncertain significance. Last evaluated: 2020-09-14. Review status: criteria provided, single submitter. Criteria: GeneDx Variant Classification Process June 2021. Collection method: clinical testing. Allele origin: germline. Affected: yes.
Comment: Not observed at a significant frequency in large population cohorts (Lek 2016); In silico analysis supports that this missense variant does not alter protein structure/function; Observed in individuals with a personal history of acute myeloid leukemia (Zhang 2015); This variant is associated with the following publications: (PMID: 26580448)

Women's Health and Genetics/Laboratory Corporation of America, LabCorp
Classification: Uncertain significance. Last evaluated: 2019-10-24. Review status: criteria provided, single submitter. Criteria: LabCorp Variant Classification Summary - May 2015. Collection method: clinical testing. Allele origin: germline.
Comment: Variant summary: APC c.4898C>T (p.Thr1633Ile) results in a non-conservative amino acid change in the encoded protein sequence. Five of five in-silico tools predict a damaging effect of the variant on protein function. The variant allele was found at a frequency of 4e-06 in 251208 control chromosomes. The available data on variant occurrences in the general population are insufficient to allow any conclusion about variant significance. c.4898C>T has been reported in the literature in one individual affected with AML as a germline variant (Zhang_2015). This report does not provide unequivocal conclusions about association of the variant with Familial Adenomatous Polyposis. To our knowledge, no experimental evidence demonstrating an impact on protein function has been reported. Two ClinVar submissions (evaluation after 2014) cite the variant as uncertain significance. Based on the evidence outlined above, the variant was classified as uncertain significance.

Literature cited by the submitters: PubMed 26580448 (cited by 3 submitters).

NM_000038.6(APC):c.4898C>T (p.Thr1633Ile)

Gene: APC (APC regulator of Wnt signaling pathway; plus strand). Cytogenetic location: 5q22.2.
Variant type: single nucleotide variant.
Coding change: c.4898C>T on transcript NM_000038.6 (MANE Select); coding-DNA position 4898, C replaced by T.
Protein change: p.Thr1633Ile; replaces threonine 1633 with isoleucine.
Molecular consequence: missense variant.
Genome position (GRCh38, 1-based): chr5:112,840,492, C>T. VCF-style: chr5-112840492-C-T. GRCh37 (hg19) VCF-style: chr5-112176189-C-T.
Other names: c.4898C>T, p.Thr1633Ile (NM_001127510.3, NM_001354895.2); c.4844C>T, p.Thr1615Ile (NM_001127511.3); c.4952C>T, p.Thr1651Ile (NM_001354896.2); c.4928C>T, p.Thr1643Ile (NM_001354897.2); c.4823C>T, p.Thr1608Ile (NM_001354898.2); c.4814C>T, p.Thr1605Ile (NM_001354899.2); c.4775C>T, p.Thr1592Ile (NM_001354900.2); c.4721C>T, p.Thr1574Ile (NM_001354901.2); and 5 more; short protein forms T1615I, T1633I, T1574I, T1651I, T1532I, T1542I, T1592I, T1608I.
Identifiers: ClinVar variation 422439 (VCV000422439.20), dbSNP rs765215625, ClinGen allele CA040065.